The following is an entry in ClinVar:

NM_000540.3(RYR1):c.7909G>C (p.Ala2637Pro)

Gene: RYR1 (ryanodine receptor 1; plus strand). Cytogenetic location: 19q13.2.
Variant type: single nucleotide variant.
Coding change: c.7909G>C on transcript NM_000540.3 (MANE Select); coding-DNA position 7909, G replaced by C.
Protein change: p.Ala2637Pro; replaces alanine 2637 with proline.
Molecular consequence: missense variant.
Genome position (GRCh38, 1-based): chr19:38,502,953, G>C. VCF-style: chr19-38502953-G-C. GRCh37 (hg19) VCF-style: chr19-38993593-G-C.
Other names: c.7909G>C, p.Ala2637Pro (NM_001042723.2); short protein forms A2637P.
Identifiers: ClinVar variation 1036175 (VCV001036175.9), dbSNP rs1204662800, ClinGen allele CA405674199.
Genomic context (GRCh38, chr19:38,502,953, plus strand): 5'-TCGATGCTGCAGCACCTGTTGCGCCGCCTGGTGTTCGACGTGCCCATCCTCAACGAGTTC[G>C]CCAAGATGCCACTCAAGGTGAGGGCAAGCGCTCTTTAGCATCTCATTTCCAGGCCGCACC-3'
Protein context (NP_000531.2, residues 2627-2647): VFDVPILNEF[Ala2637Pro]KMPLKLLTNH

ClinVar aggregate classification (germline): Uncertain significance. Review status: criteria provided, multiple submitters, no conflicts (2 of 4 stars). 2 submissions from 2 submitters: Uncertain significance (2). Last evaluated 2024-09-23.

Conditions:
RYR1-related disorder. Also called: RYR1-related condition; RYR1-related disorders. Identifiers: MedGen CN239331.
Malignant hyperthermia, susceptibility to, 1 (MHS1). Also called: RYR1-Related Malignant Hyperthermia Susceptibility; Malignant hyperthermia suceptibility 1; Anesthesia related hyperthermia; Malignant hyperpyrexia; Fulminating hyperpyrexia; Pharmacogenic myopathy. Identifiers: Orphanet 423, MedGen C2930980, MONDO:0007783, OMIM 145600.

Submissions (2):

All of Us Research Program, National Institutes of Health
Classification: Uncertain significance for Malignant hyperthermia, susceptibility to, 1. Last evaluated: 2024-09-23. Review status: criteria provided, single submitter. Criteria: ACMG Guidelines, 2015. Collection method: clinical testing. Allele origin: germline. Inheritance: Autosomal dominant inheritance. Observed: 1 variant allele, 1 heterozygote.
Comment: This study involves interpretation of variants in research participants for the purpose of population health screening. Participant phenotype was not available at the time of variant classification. Additional details can be found in publication PMID: 35346344, PMCID: PMC8962531

Labcorp Genetics (formerly Invitae), Labcorp
Classification: Uncertain significance for RYR1-related disorder. Last evaluated: 2022-03-18. Review status: criteria provided, single submitter. Criteria: Invitae Variant Classification Sherloc (09022015). Collection method: clinical testing. Allele origin: germline.
Comment: Algorithms developed to predict the effect of missense changes on protein structure and function (SIFT, PolyPhen-2, Align-GVGD) all suggest that this variant is likely to be tolerated. In summary, the available evidence is currently insufficient to determine the role of this variant in disease. Therefore, it has been classified as a Variant of Uncertain Significance. ClinVar contains an entry for this variant (Variation ID: 1036175). This sequence change replaces alanine, which is neutral and non-polar, with proline, which is neutral and non-polar, at codon 2637 of the RYR1 protein (p.Ala2637Pro). This variant is not present in population databases (gnomAD no frequency). This variant has not been reported in the literature in individuals affected with RYR1-related conditions.